The following is an entry in ClinVar:

ClinVar aggregate classification (germline): Likely benign (1 of 4 stars; one submission).

Conditions:
Cerebellar dysfunction with variable cognitive and behavioral abnormalities (CECBA). Also called: Nonprogressive cerebellar atxia with intellectual disability. Identifiers: Orphanet 314647, MedGen C3553661, MONDO:0013886, OMIM 614756.

Allele frequency attached by ClinVar (database versions not stated): TOPMed 0.00002.
gnomAD v4.1: 6 of 1,614,070 alleles (0.00037%); highest among the groups gnomAD compares: East Asian, 0.013%; no homozygotes.

Submission:

Victorian Clinical Genetics Services, Murdoch Childrens Research Institute
Classification: Likely benign for Cerebellar dysfunction with variable cognitive and behavioral abnormalities. Last evaluated: 2022-09-02. Review status: criteria provided, single submitter. Criteria: ACMG Guidelines, 2015. Collection method: clinical testing. Allele origin: germline. Inheritance: Autosomal dominant inheritance.
Comment: Based on the classification scheme VCGS_Germline_v1.1.1, this variant is classified as 2 - likely benign. Following criteria are met: 0102 - Loss-of-function is a known mechanism of disease for this gene. (N) 0107 - This gene is known to be associated with autosomal dominant disease. (N) 0200 - Variant is predicted to result in a missense amino acid change from an alanine to a threonine (exon 11). (N) 0251 - Variant is heterozygous. (N) 0302 - Variant is present in gnomAD <0.001 for a dominant condition (5 heterozygotes, 0 homozygotes). (P) 0309 - An alternative amino acid change at the same position has been observed in gnomAD (1 heterozygote, 0 homozygotes). (N) 0502 - Missense variant with conflicting in silico predictions and/or uninformative conservation. (N) 0604 - Variant is not located in an established domain, motif, hotspot or informative constraint region. (N) 0705 - No comparable variants have previous evidence for pathogenicity. (N) 0807 - Variant has not previously been reported in a clinical context. (N) 0905 - No segregation evidence has been identified for this variant. (N) 1007 - No published functional evidence has been identified for this variant. (N) 1208 - Inheritance information for this variant is not currently available. (N) Legend: (P) - Pathogenic, (N) - Neutral, (B) - Benign

NM_015215.4(CAMTA1):c.2860G>A (p.Ala954Thr)

Gene: CAMTA1 (calmodulin binding transcription activator 1; plus strand). Cytogenetic location: 1p36.23.
Variant type: single nucleotide variant.
Coding change: c.2860G>A on transcript NM_015215.4 (MANE Select); coding-DNA position 2860, G replaced by A.
Protein change: p.Ala954Thr; replaces alanine 954 with threonine.
Molecular consequence: missense variant. On other transcripts: 5 prime UTR variant (6).
Genome position (GRCh38, 1-based): chr1:7,677,679, G>A. VCF-style: chr1-7677679-G-A. GRCh37 (hg19) VCF-style: chr1-7737739-G-A.
Other names: c.2770G>A, p.Ala924Thr (NM_001349608.2, NM_001349612.2); c.2860G>A, p.Ala954Thr (NM_001349609.2, NM_001349610.2, NM_001410737.1); c.-69G>A (NM_001349614.1, NM_001349617.1, NM_001349620.1 and 3 more transcripts); c.2788G>A, p.Ala930Thr (NM_001410738.1); short protein forms A924T, A930T, A954T.
Identifiers: ClinVar variation 1805769 (VCV001805769.1), dbSNP rs781631558, ClinGen allele CA566759.